The following is an entry in ClinVar:

NM_000702.4(ATP1A2):c.2582G>T (p.Gly861Val)

Gene: ATP1A2 (ATPase Na+/K+ transporting subunit alpha 2; plus strand). Cytogenetic location: 1q23.2.
Variant type: single nucleotide variant.
Coding change: c.2582G>T on transcript NM_000702.4 (MANE Select); coding-DNA position 2582, G replaced by T.
Protein change: p.Gly861Val; replaces glycine 861 with valine.
Molecular consequence: missense variant.
Genome position (GRCh38, 1-based): chr1:160,136,588, G>T. VCF-style: chr1-160136588-G-T. GRCh37 (hg19) VCF-style: chr1-160106378-G-T.
Other names: short protein forms G861V.
Identifiers: ClinVar variation 2123753 (VCV002123753.5), dbSNP rs2524890962, ClinGen allele CA343251857.
Genomic context (GRCh38, chr1:160,136,588, plus strand): 5'-CCTGCTCTGACCCTGCCCCTGCCTTTGGCCCTCTACCCACAGGGATGATCCAGGCACTGG[G>T]TGGCTTCTTCACCTACTTTGTGATCCTGGCAGAGAACGGTTTCCTGCCATCACGGCTACT-3'
Protein context (NP_000693.1, residues 851-871): YGQIGMIQAL[Gly861Val]GFFTYFVILA

ClinVar aggregate classification (germline): Uncertain significance. Review status: criteria provided, multiple submitters, no conflicts (2 of 4 stars). 2 submissions from 2 submitters: Uncertain significance (2). Last evaluated 2024-09-04.

Conditions:
Familial hemiplegic migraine. Identifiers: MedGen C0338484, MONDO:0000700.

Submissions (2):

Blueprint Genetics
Classification: Uncertain significance. Last evaluated: 2024-09-04. Review status: criteria provided, single submitter. Criteria: ACMG Guidelines, 2015. Collection method: clinical testing. Allele origin: germline.

Labcorp Genetics (formerly Invitae), Labcorp
Classification: Uncertain significance for Familial hemiplegic migraine. Last evaluated: 2022-04-09. Review status: criteria provided, single submitter. Criteria: Invitae Variant Classification Sherloc (09022015). Collection method: clinical testing. Allele origin: germline.
Comment: In summary, the available evidence is currently insufficient to determine the role of this variant in disease. Therefore, it has been classified as a Variant of Uncertain Significance. Advanced modeling of protein sequence and biophysical properties (such as structural, functional, and spatial information, amino acid conservation, physicochemical variation, residue mobility, and thermodynamic stability) performed at Invitae indicates that this missense variant is expected to disrupt ATP1A2 protein function. This variant has not been reported in the literature in individuals affected with ATP1A2-related conditions. This variant is not present in population databases (gnomAD no frequency). This sequence change replaces glycine, which is neutral and non-polar, with valine, which is neutral and non-polar, at codon 861 of the ATP1A2 protein (p.Gly861Val).